The following is an entry in ClinVar:

ClinVar aggregate classification (germline): Uncertain significance (1 of 4 stars; one submission).

Conditions:
Charcot-Marie-Tooth disease, axonal, Type 2HH. Also called: CHARCOT-MARIE-TOOTH NEUROPATHY, TYPE 2HH. Identifiers: MedGen C5562003, MONDO:0030458, OMIM 619574.
Tetralogy of Fallot (TOF). Identifiers: Orphanet 3303, MedGen C0039685, MONDO:0008542, OMIM 187500, HP:0001636.
Deafness, congenital heart defects, and posterior embryotoxon (DCHE). Identifiers: MedGen C1866053, MONDO:0060713, OMIM 617992.
Alagille syndrome due to a JAG1 point mutation. Also called: Alagille Syndrome 1; HEPATIC DUCTULAR HYPOPLASIA, SYNDROMATIC; JAG1-Related Alagille Syndrome. Identifiers: Orphanet 261619, Orphanet 52, MedGen C1956125, MONDO:0016862, OMIM 118450.

Submission:

Juno Genomics, Hangzhou Juno Genomics, Inc
Classification: Uncertain significance for Tetralogy of Fallot; Deafness, congenital heart defects, and posterior embryotoxon; Alagille syndrome due to a JAG1 point mutation; Charcot-Marie-Tooth disease, axonal, Type 2HH. Review status: criteria provided, single submitter. Criteria: ACMG Guidelines, 2015. Collection method: clinical testing. Allele origin: germline.
Comment: Absent from controls (or at extremely low frequency if recessive) in Genome Aggregation Database.;Missense variant in a gene that has a low rate of benign missense variation.

NM_000214.3(JAG1):c.3445A>G (p.Ile1149Val)

Gene: JAG1 (jagged canonical Notch ligand 1; minus strand). Cytogenetic location: 20p12.2.
Variant type: single nucleotide variant.
Coding change: c.3445A>G on transcript NM_000214.3 (MANE Select); coding-DNA position 3445, A replaced by G.
Protein change: p.Ile1149Val; replaces isoleucine 1149 with valine.
Molecular consequence: missense variant.
Genome position (GRCh38, 1-based): chr20:10,639,710, T>C on the plus strand (A>G on the coding strand, the complement: JAG1 is on the minus strand). VCF-style: chr20-10639710-T-C. GRCh37 (hg19) VCF-style: chr20-10620358-T-C.
Other names: short protein forms I1149V.
Identifiers: ClinVar variation 5006351 (VCV005006351.2).